The following is an entry in ClinVar:

ClinVar aggregate classification (germline): Uncertain significance (1 of 4 stars; one submission).

Allele frequency attached by ClinVar (database versions not stated): gnomAD 0.00001; ExAC 0.00003; gnomAD exomes 0.00003.
gnomAD v4.1: 41 of 1,612,552 alleles (0.0025%); highest among the groups gnomAD compares: Non-Finnish European, 0.0033%; no homozygotes.

Submission:

Labcorp Genetics (formerly Invitae), Labcorp
Classification: Uncertain significance. Last evaluated: 2022-04-15. Review status: criteria provided, single submitter. Criteria: Invitae Variant Classification Sherloc (09022015). Collection method: clinical testing. Allele origin: germline.
Comment: In summary, the available evidence is currently insufficient to determine the role of this variant in disease. Therefore, it has been classified as a Variant of Uncertain Significance. Algorithms developed to predict the effect of missense changes on protein structure and function are either unavailable or do not agree on the potential impact of this missense change (SIFT: "Tolerated"; PolyPhen-2: "Probably Damaging"; Align-GVGD: "Class C0"). This variant has not been reported in the literature in individuals affected with GFM2-related conditions. This variant is present in population databases (rs758213548, gnomAD 0.004%). This sequence change replaces isoleucine, which is neutral and non-polar, with asparagine, which is neutral and polar, at codon 191 of the GFM2 protein (p.Ile191Asn).

NM_032380.5(GFM2):c.572T>A (p.Ile191Asn)

Gene: GFM2 (GTP dependent ribosome recycling factor mitochondrial 2; minus strand). Cytogenetic location: 5q13.3.
Variant type: single nucleotide variant.
Coding change: c.572T>A on transcript NM_032380.5 (MANE Select); coding-DNA position 572, T replaced by A.
Protein change: p.Ile191Asn; replaces isoleucine 191 with asparagine.
Molecular consequence: missense variant. On other transcripts: non-coding transcript variant (1).
Genome position (GRCh38, 1-based): chr5:74,747,728, A>T on the plus strand (T>A on the coding strand, the complement: GFM2 is on the minus strand). VCF-style: chr5-74747728-A-T. GRCh37 (hg19) VCF-style: chr5-74043553-A-T.
Other names: c.668T>A, p.Ile223Asn (NM_001281302.2); c.572T>A, p.Ile191Asn (NM_170681.3, NM_170691.3); short protein forms I191N, I223N.
Identifiers: ClinVar variation 2188877 (VCV002188877.4), dbSNP rs758213548, ClinGen allele CA3306754.